The following is an entry in ClinVar:

ClinVar aggregate classification (germline): Uncertain significance (1 of 4 stars; one submission).

Conditions:
Hypertrophic cardiomyopathy 10. Also called: MYL2-Related Familial Hypertrophic Cardiomyopathy; CARDIOMYOPATHY, HYPERTROPHIC, MID-LEFT VENTRICULAR CHAMBER TYPE, 2. Identifiers: MedGen C1834460, MONDO:0012112, OMIM 608758.

Submission:

Labcorp Genetics (formerly Invitae), Labcorp
Classification: Uncertain significance for Hypertrophic cardiomyopathy 10. Last evaluated: 2022-12-10. Review status: criteria provided, single submitter. Criteria: Invitae Variant Classification Sherloc (09022015). Collection method: clinical testing. Allele origin: germline.
Comment: This variant has not been reported in the literature in individuals affected with MYL2-related conditions. In summary, the available evidence is currently insufficient to determine the role of this variant in disease. Therefore, it has been classified as a Variant of Uncertain Significance. Algorithms developed to predict the effect of missense changes on protein structure and function are either unavailable or do not agree on the potential impact of this missense change (SIFT: "Deleterious"; PolyPhen-2: "Possibly Damaging"; Align-GVGD: "Class C0"). This variant is not present in population databases (gnomAD no frequency). This sequence change replaces alanine, which is neutral and non-polar, with proline, which is neutral and non-polar, at codon 93 of the MYL2 protein (p.Ala93Pro).

NM_000432.4(MYL2):c.277G>C (p.Ala93Pro)

Gene: MYL2 (myosin light chain 2; minus strand). Cytogenetic location: 12q24.11.
Variant type: single nucleotide variant.
Coding change: c.277G>C on transcript NM_000432.4 (MANE Select); coding-DNA position 277, G replaced by C.
Protein change: p.Ala93Pro; replaces alanine 93 with proline.
Molecular consequence: missense variant.
Genome position (GRCh38, 1-based): chr12:110,913,322, C>G on the plus strand (G>C on the coding strand, the complement: MYL2 is on the minus strand). VCF-style: chr12-110913322-C-G. GRCh37 (hg19) VCF-style: chr12-111351126-C-G.
Other names: c.235G>C, p.Ala79Pro (NM_001406745.1, NM_001406746.1); c.220G>C, p.Ala74Pro (NM_001406916.1); short protein forms A93P, A74P, A79P.
Identifiers: ClinVar variation 2818712 (VCV002818712.3), dbSNP rs2499808661, ClinGen allele CA386698170.
Genomic context (GRCh38, chr12:110,913,322, plus strand): 5'-CCCCTTTGCCTTCAGGGTCAAACACTTTGAATGCGTTGAGAATGGTTTCCTCAGGGTCCG[C>G]TCCTGAAACGGAACACAGGGCTTACATGTACTGGGGGTGGCTGGGAACCACTGGCACCCC-3'
Protein context (NP_000423.2, residues 83-103): LTMFGEKLKG[Ala93Pro]DPEETILNAF